The following is an entry in ClinVar:

ClinVar aggregate classification (germline): Conflicting classifications of pathogenicity. Review status: criteria provided, conflicting classifications (1 of 4 stars). 2 submissions from 2 submitters: Likely pathogenic (1); Uncertain significance (1). Last evaluated 2023-11-07.

Conditions:
3-methylglutaconic aciduria type 1 (MGCA1). Identifiers: Orphanet 67046, MedGen C0342727, MONDO:0009610, OMIM 250950.

Allele frequency attached by ClinVar (database versions not stated): ExAC 0.00001; gnomAD exomes below 0.00001.
gnomAD v4.1: 1 of 1,614,234 alleles (0.000062%); highest among the groups gnomAD compares: Non-Finnish European, 0.000085%; no homozygotes.

Submissions (2):

Labcorp Genetics (formerly Invitae), Labcorp
Classification: Uncertain significance for 3-methylglutaconic aciduria type 1. Last evaluated: 2023-11-07. Review status: criteria provided, single submitter. Criteria: Invitae Variant Classification Sherloc (09022015). Collection method: clinical testing. Allele origin: germline.
Comment: This sequence change replaces alanine, which is neutral and non-polar, with threonine, which is neutral and polar, at codon 248 of the AUH protein (p.Ala248Thr). This variant is present in population databases (rs755299132, gnomAD 0.0009%). This missense change has been observed in individual(s) with 3-methylglutaconic aciduria (Invitae). ClinVar contains an entry for this variant (Variation ID: 214147). Advanced modeling of protein sequence and biophysical properties (such as structural, functional, and spatial information, amino acid conservation, physicochemical variation, residue mobility, and thermodynamic stability) performed at Invitae indicates that this missense variant is expected to disrupt AUH protein function with a positive predictive value of 80%. In summary, the available evidence is currently insufficient to determine the role of this variant in disease. Therefore, it has been classified as a Variant of Uncertain Significance.

GeneDx
Classification: Likely pathogenic. Last evaluated: 2013-10-23. Review status: criteria provided, single submitter. Criteria: GeneDx Variant Classification (06012015). Collection method: clinical testing. Allele origin: germline. Affected: yes.
Comment: p.Ala248Thr (GCC>ACC): c.742 G>A in exon 7 of the AUH gene (NM_001698.2). The A248T missense change has not been published as a mutation, nor has it been reported as a benign polymorphism to our knowledge. The amino acid change is non-conservative in that a small, non-polar Alanine residue is replaced by a larger, polar Threonine residue. This change occurs at a highly conserved position in the AUH protein, and multiple in-silico analysis programs predict that A248T is damaging to the AUH protein. Furthermore, a missense mutation at a nearby position (A240V) has been reported in association with 3-methylglutaconic aciduria type 1. Therefore, A248T is a strong candidate for a disease-causing mutation, however the possibility that it is a benign variant cannot be excluded. The variant is found in MGA-MITOP panel(s).

NM_001698.3(AUH):c.742G>A (p.Ala248Thr)

Gene: AUH (AU RNA binding methylglutaconyl-CoA hydratase; minus strand). Cytogenetic location: 9q22.31.
Variant type: single nucleotide variant.
Coding change: c.742G>A on transcript NM_001698.3 (MANE Select); coding-DNA position 742, G replaced by A.
Protein change: p.Ala248Thr; replaces alanine 248 with threonine.
Molecular consequence: missense variant.
Genome position (GRCh38, 1-based): chr9:91,220,906, C>T on the plus strand (G>A on the coding strand, the complement: AUH is on the minus strand). VCF-style: chr9-91220906-C-T. GRCh37 (hg19) VCF-style: chr9-93983188-C-T.
Other names: p.A248T:GCC>ACC; c.655G>A, p.Ala219Thr (NM_001306190.2); c.415G>A, p.Ala139Thr (NM_001351431.2, NM_001351432.2, NM_001351433.2); short protein forms A248T, A219T, A139T.
Identifiers: ClinVar variation 214147 (VCV000214147.5), dbSNP rs755299132, ClinGen allele CA322021.